The following is an entry in ClinVar:

ClinVar aggregate classification (germline): Uncertain significance (1 of 4 stars; one submission).

Submission:

Ambry Genetics
Classification: Uncertain significance. Last evaluated: 2025-01-09. Review status: criteria provided, single submitter. Criteria: Ambry Variant Classification Scheme 2023. Collection method: clinical testing. Allele origin: germline.
Comment: The p.Y197C variant (also known as c.590A>G), located in coding exon 5 of the RNF43 gene, results from an A to G substitution at nucleotide position 590. The tyrosine at codon 197 is replaced by cysteine, an amino acid with highly dissimilar properties. This amino acid position is conserved. In addition, the in silico prediction for this alteration is inconclusive. Based on the available evidence, the clinical significance of this variant remains unclear.

NM_017763.6(RNF43):c.590A>G (p.Tyr197Cys)

Gene: RNF43 (ring finger protein 43; minus strand). Cytogenetic location: 17q22.
Variant type: single nucleotide variant.
Coding change: c.590A>G on transcript NM_017763.6 (MANE Select); coding-DNA position 590, A replaced by G.
Protein change: p.Tyr197Cys; replaces tyrosine 197 with cysteine.
Molecular consequence: missense variant.
Genome position (GRCh38, 1-based): chr17:58,362,641, T>C on the plus strand (A>G on the coding strand, the complement: RNF43 is on the minus strand). VCF-style: chr17-58362641-T-C. GRCh37 (hg19) VCF-style: chr17-56440002-T-C.
Other names: c.590A>G, p.Tyr197Cys (NM_001305544.3); c.209A>G, p.Tyr70Cys (NM_001305545.2); short protein forms Y197C, Y70C.
Identifiers: ClinVar variation 3789890 (VCV003789890.1).